The following is an entry in ClinVar:

ClinVar aggregate classification (germline): Uncertain significance (1 of 4 stars; one submission).

Submission:

Ambry Genetics
Classification: Uncertain significance. Last evaluated: 2021-11-23. Review status: criteria provided, single submitter. Criteria: Ambry Variant Classification Scheme 2023. Collection method: clinical testing. Allele origin: germline.
Comment: The p.I293L variant (also known as c.877A>T), located in coding exon 6 of the BUB3 gene, results from an A to T substitution at nucleotide position 877. The isoleucine at codon 293 is replaced by leucine, an amino acid with highly similar properties. This amino acid position is conserved. In addition, the in silico prediction for this alteration is inconclusive. Since supporting evidence is limited at this time, the clinical significance of this alteration remains unclear.

NM_004725.4(BUB3):c.877A>T (p.Ile293Leu)

Gene: BUB3 (BUB3 mitotic checkpoint protein; plus strand). Cytogenetic location: 10q26.13.
Variant type: single nucleotide variant.
Coding change: c.877A>T on transcript NM_004725.4 (MANE Select); coding-DNA position 877, A replaced by T.
Protein change: p.Ile293Leu; replaces isoleucine 293 with leucine.
Molecular consequence: missense variant.
Genome position (GRCh38, 1-based): chr10:123,162,734, A>T. VCF-style: chr10-123162734-A-T. GRCh37 (hg19) VCF-style: chr10-124922250-A-T.
Other names: c.877A>T, p.Ile293Leu (NM_001007793.3); short protein forms I293L.
Identifiers: ClinVar variation 1764630 (VCV001764630.2), dbSNP rs2493767107, ClinGen allele CA378627110.